The following is an entry in ClinVar:

NM_175914.5(HNF4A):c.2T>A (p.Met1Lys)

Gene: HNF4A (hepatocyte nuclear factor 4 alpha; plus strand). Cytogenetic location: 20q13.12.
Variant type: single nucleotide variant.
Coding change: c.2T>A on transcript NM_175914.5 (MANE Select); coding-DNA position 2, T replaced by A.
Protein change: p.Met1Lys; changes the start codon (methionine 1).
Molecular consequence: missense variant, initiator codon variant. On other transcripts: 5 prime UTR variant (3).
Genome position (GRCh38, 1-based): chr20:44,355,806, T>A. VCF-style: chr20-44355806-T-A. GRCh37 (hg19) VCF-style: chr20-42984446-T-A.
Other names: NM_175914.5:c.2T>A; c.2T>A, p.Met1Lys (NM_001030003.3, NM_001030004.3); c.-230T>A (NM_001287182.2, NM_001287183.2, NM_001287184.2); short protein forms M1K.
Identifiers: ClinVar variation 3238976 (VCV003238976.1), dbSNP rs1229650809.
Genomic context (GRCh38, chr20:44,355,806, plus strand): 5'-GCTGTGAGCGGGCCCCTGCTCCTCCATGCCCCCAGCTCTCCGGCTGGGTGGGCTTGGCCA[T>A]GGTCAGCGTGAACGCGCCCCTCGGGGCTCCAGTGGAGAGTTCTTACGGTAAGTGGGGCTG-3'
Protein context (NP_787110.2, residues 1-11): [Met1Lys]VSVNAPLGAP

ClinVar aggregate classification (germline): Likely pathogenic (3 of 4 stars; one submission).

Conditions:
Monogenic diabetes. Identifiers: Orphanet 183625, MedGen C3888631, MONDO:0015967.

Submission:

ClinGen Monogenic Diabetes Variant Curation Expert Panel
Classification: Likely pathogenic for Monogenic diabetes. Last evaluated: 2024-06-09. Review status: reviewed by expert panel. Criteria: ClinGen Diabetes ACMG Specifications HNF4A V2.0.0. Collection method: curation. Allele origin: germline. Inheritance: Autosomal dominant inheritance.
Comment: The c.2T>A variant in the hepatocyte nuclear factor 4-alpha gene, HNF4A, results in the loss of the initiation codon (p.Met1?) of NM_175914.5. By altering the start codon of the coding sequence, this variant may cause a truncated or absent protein in a gene in which loss-of-function is an established disease mechanism (PVS1_Strong; PMID: 23348805).This variant is absent from gnomAD v2.1.1 (PM2_Supporting). Internal lab contributor). In summary, c.2T>A meets the criteria to be classified as Likely Pathogenic for monogenic diabetes. ACMG/AMP criteria applied, as specified by the ClinGen MDEP (specification version 2.0.0, approved 10/11/2023): PVS1_Strong, PP4_Moderate, PM2_Supporting.